The following is an entry in ClinVar:

ClinVar aggregate classification (germline): Uncertain significance (1 of 4 stars; one submission).

Allele frequency attached by ClinVar (database versions not stated): ExAC 0.00001; gnomAD exomes 0.00001.
gnomAD v4.1: 4 of 1,612,454 alleles (0.00025%); highest among the groups gnomAD compares: Non-Finnish European, 0.00034%; no homozygotes.

Submission:

Labcorp Genetics (formerly Invitae), Labcorp
Classification: Uncertain significance. Last evaluated: 2022-03-19. Review status: criteria provided, single submitter. Criteria: Invitae Variant Classification Sherloc (09022015). Collection method: clinical testing. Allele origin: germline.
Comment: This sequence change falls in intron 2 of the SLC46A1 gene. It does not directly change the encoded amino acid sequence of the SLC46A1 protein. It affects a nucleotide within the consensus splice site. This variant is present in population databases (rs782615249, gnomAD 0.002%). This variant has not been reported in the literature in individuals affected with SLC46A1-related conditions. Variants that disrupt the consensus splice site are a relatively common cause of aberrant splicing (PMID: 17576681, 9536098). Experimental studies and prediction algorithms are not available or were not evaluated, and the effect of this variant on mRNA splicing is currently unknown. In summary, the available evidence is currently insufficient to determine the role of this variant in disease. Therefore, it has been classified as a Variant of Uncertain Significance.

Literature cited by the submitters: PubMed 17576681; PubMed 9536098.

NM_080669.6(SLC46A1):c.1082-3C>T

Genes: SARM1 (sterile alpha and TIR motif containing 1; plus strand), SLC46A1 (solute carrier family 46 member 1; minus strand). Cytogenetic location: 17q11.2.
Variant type: single nucleotide variant.
Coding change: c.1082-3C>T on transcript NM_080669.6 (MANE Select); 3 bases into the intron before coding-DNA position 1082, C replaced by T.
Molecular consequence: intron variant. On other transcripts: 3 prime UTR variant (1).
Genome position (GRCh38, 1-based): chr17:28,402,324, G>A on the plus strand (C>T on the coding strand, the complement: SLC46A1 is on the minus strand). VCF-style: chr17-28402324-G-A. GRCh37 (hg19) VCF-style: chr17-26729342-G-A.
Other names: c.*6038G>A (NM_015077.4); c.1082-1558C>T (NM_001242366.3).
Identifiers: ClinVar variation 1982636 (VCV001982636.1), dbSNP rs782615249, ClinGen allele CA8458212.